The following is an entry in ClinVar:

NM_022489.4(INF2):c.1792G>A (p.Asp598Asn)

Gene: INF2 (inverted formin 2; plus strand). Cytogenetic location: 14q32.33.
Variant type: single nucleotide variant.
Coding change: c.1792G>A on transcript NM_022489.4 (MANE Select); coding-DNA position 1792, G replaced by A.
Protein change: p.Asp598Asn; replaces aspartic acid 598 with asparagine.
Molecular consequence: missense variant.
Genome position (GRCh38, 1-based): chr14:104,708,492, G>A. VCF-style: chr14-104708492-G-A. GRCh37 (hg19) VCF-style: chr14-105174829-G-A.
Other names: c.1792G>A (NM_022489.3); c.1792G>A, p.Asp598Asn (NM_001031714.4); short protein forms D598N.
Identifiers: ClinVar variation 1393855 (VCV001393855.11), dbSNP rs368948089, ClinGen allele CA7372675.
Genomic context (GRCh38, chr14:104,708,492, plus strand): 5'-ACAGAGCACAACTCTATGTGGGCGTCCCTGAGCAGCCCCGACGCCGAGGCTGTGGAGCCC[G>A]ACTTCTCCAGCATCGAGCGACTATTCTCCTTCCCTGCAGCCAAGCCCAAGGAGCCCACCA-3'
Protein context (NP_071934.3, residues 588-608): SSPDAEAVEP[Asp598Asn]FSSIERLFSF

ClinVar aggregate classification (germline): Conflicting classifications of pathogenicity. Review status: criteria provided, conflicting classifications (1 of 4 stars). 4 submissions from 4 submitters: Uncertain significance (3); Likely benign (1). Last evaluated 2025-12-18.

Conditions:
Focal segmental glomerulosclerosis 5 (FSGS5). Identifiers: Orphanet 656, MedGen C2750475, MONDO:0013191, OMIM 613237.
Charcot-Marie-Tooth disease dominant intermediate E. Also called: CHARCOT-MARIE-TOOTH NEUROPATHY WITH FOCAL SEGMENTAL GLOMERULONEPHRITIS. Identifiers: Orphanet 93114, MedGen C4302667, MONDO:0013758, OMIM 614455.
Inborn genetic diseases. Identifiers: MedGen C0950123, MeSH D030342.

Allele frequency attached by ClinVar (database versions not stated): gnomAD 0.00001; TOPMed 0.00001; ExAC 0.00002; gnomAD exomes 0.00002; ESP Exome Variant Server 0.00008.

Submissions (4):

Genetics Department, Catlab
Classification: Uncertain significance for Focal segmental glomerulosclerosis 5. Last evaluated: 2025-12-18. Review status: criteria provided, single submitter. Criteria: ACMG Guidelines, 2015. Collection method: clinical testing. Allele origin: germline. Affected: yes.
Comment: The c.484G>A missense variant has a low frequency in gnomAD v4.1 (AF=0.00001550) (PM2_moderate) and has a REVEL score of 0.13 (BP4_moderate). With all the available evidence, the variant is classified as of uncertain significance.

Labcorp Genetics (formerly Invitae), Labcorp
Classification: Likely benign for Charcot-Marie-Tooth disease dominant intermediate E; Focal segmental glomerulosclerosis 5. Last evaluated: 2024-12-11. Review status: criteria provided, single submitter. Criteria: Invitae Variant Classification Sherloc (09022015). Collection method: clinical testing. Allele origin: germline.

Ambry Genetics
Classification: Uncertain significance for Inborn genetic diseases. Last evaluated: 2023-08-22. Review status: criteria provided, single submitter. Criteria: Ambry Variant Classification Scheme 2023. Collection method: clinical testing. Allele origin: germline.

Fulgent Genetics
Classification: Uncertain significance for Focal segmental glomerulosclerosis 5; Charcot-Marie-Tooth disease dominant intermediate E. Last evaluated: 2021-09-20. Review status: criteria provided, single submitter. Criteria: ACMG Guidelines, 2015. Collection method: clinical testing. Allele origin: unknown.